The following is an entry in ClinVar:

ClinVar aggregate classification (germline): Uncertain significance (1 of 4 stars; one submission).

Conditions:
Birt-Hogg-Dube syndrome. Also called: Birt Hogg Dubé syndrome. Identifiers: Orphanet 122, MedGen C0346010, MONDO:0800444.

Submission:

Labcorp Genetics (formerly Invitae), Labcorp
Classification: Uncertain significance for Birt-Hogg-Dube syndrome. Last evaluated: 2026-01-28. Review status: criteria provided, single submitter. Criteria: Invitae Variant Classification Sherloc (09022015). Collection method: clinical testing. Allele origin: germline.
Comment: This sequence change replaces alanine, which is neutral and non-polar, with valine, which is neutral and non-polar, at codon 277 of the FLCN protein (p.Ala277Val). This variant is not present in population databases (gnomAD no frequency). This variant has not been reported in the literature in individuals affected with FLCN-related conditions. Invitae Evidence Modeling of protein sequence and biophysical properties (such as structural, functional, and spatial information, amino acid conservation, physicochemical variation, residue mobility, and thermodynamic stability) indicates that this missense variant is not expected to disrupt FLCN protein function with a negative predictive value of 80%. In summary, the available evidence is currently insufficient to determine the role of this variant in disease. Therefore, it has been classified as a Variant of Uncertain Significance.

NM_144997.7(FLCN):c.830C>T (p.Ala277Val)

Gene: FLCN (folliculin; minus strand). Cytogenetic location: 17p11.2.
Variant type: single nucleotide variant.
Coding change: c.830C>T on transcript NM_144997.7 (MANE Select); coding-DNA position 830, C replaced by T.
Protein change: p.Ala277Val; replaces alanine 277 with valine.
Molecular consequence: missense variant.
Genome position (GRCh38, 1-based): chr17:17,221,578, G>A on the plus strand (C>T on the coding strand, the complement: FLCN is on the minus strand). VCF-style: chr17-17221578-G-A. GRCh37 (hg19) VCF-style: chr17-17124892-G-A.
Other names: c.884C>T, p.Ala295Val (NM_001353229.2); c.830C>T, p.Ala277Val (NM_001353230.2, NM_001353231.2, NM_144606.7); short protein forms A295V, A277V.
Identifiers: ClinVar variation 4723491 (VCV004723491.1).